The following is an entry in ClinVar:

NM_001382391.1(CSPP1):c.2234G>C (p.Arg745Pro)

Gene: CSPP1 (centrosome and spindle pole associated protein 1; plus strand). Cytogenetic location: 8q13.2.
Variant type: single nucleotide variant.
Coding change: c.2234G>C on transcript NM_001382391.1 (MANE Select); coding-DNA position 2234, G replaced by C.
Protein change: p.Arg745Pro; replaces arginine 745 with proline.
Molecular consequence: missense variant.
Genome position (GRCh38, 1-based): chr8:67,154,129, G>C. VCF-style: chr8-67154129-G-C. GRCh37 (hg19) VCF-style: chr8-68066364-G-C.
Other names: c.1184G>C, p.Arg395Pro (NM_001291339.2); c.2153G>C, p.Arg718Pro (NM_001363131.2); c.2039G>C, p.Arg680Pro (NM_001363132.2); c.1958G>C, p.Arg653Pro (NM_001363133.2); c.2300G>C, p.Arg767Pro (NM_001364869.1); c.2120G>C, p.Arg707Pro (NM_001364870.1); c.2219G>C, p.Arg740Pro (NM_024790.7); short protein forms R653P, R680P, R740P, R745P, R395P, R707P, R718P, R767P.
Identifiers: ClinVar variation 1392209 (VCV001392209.8), dbSNP rs769971911, ClinGen allele CA371188101.

ClinVar aggregate classification (germline): Uncertain significance (1 of 4 stars; one submission).

Conditions:
Joubert syndrome 21 (JBTS21). Identifiers: MedGen C3810212, MONDO:0014288, OMIM 615636.

Submission:

Labcorp Genetics (formerly Invitae), Labcorp
Classification: Uncertain significance for Joubert syndrome 21. Last evaluated: 2026-01-19. Review status: criteria provided, single submitter. Criteria: Invitae Variant Classification Sherloc (09022015). Collection method: clinical testing. Allele origin: germline.
Comment: This sequence change replaces arginine, which is basic and polar, with proline, which is neutral and non-polar, at codon 740 of the CSPP1 protein (p.Arg740Pro). This variant is not present in population databases (gnomAD no frequency). This variant has not been reported in the literature in individuals affected with CSPP1-related conditions. ClinVar contains an entry for this variant (Variation ID: 1392209). An algorithm developed to predict the effect of missense changes on protein structure and function (PolyPhen-2) suggests that this variant is likely to be disruptive. In summary, the available evidence is currently insufficient to determine the role of this variant in disease. Therefore, it has been classified as a Variant of Uncertain Significance.